The following is an entry in ClinVar:

NM_000059.4(BRCA2):c.4651C>T (p.Gln1551Ter)

Gene: BRCA2 (BRCA2 DNA repair associated; plus strand). Cytogenetic location: 13q13.1.
Variant type: single nucleotide variant.
Coding change: c.4651C>T on transcript NM_000059.4 (MANE Select); coding-DNA position 4651, C replaced by T.
Protein change: p.Gln1551Ter; replaces glutamine 1551 with a stop codon.
Molecular consequence: nonsense.
Genome position (GRCh38, 1-based): chr13:32,339,006, C>T. VCF-style: chr13-32339006-C-T. GRCh37 (hg19) VCF-style: chr13-32913143-C-T.
Other names: short protein forms Q1551*.
Identifiers: ClinVar variation 234524 (VCV000234524.19), dbSNP rs876661062, ClinGen allele CA10577473.
Genomic context (GRCh38, chr13:32,339,006, plus strand): 5'-AAAGTTAAAATTGCAAAGGAATCTTTGGACAAAGTGAAAAACCTTTTTGATGAAAAAGAG[C>T]AAGGTACTAGTGAAATCACCAGTTTTAGCCATCAATGGGCAAAGACCCTAAAGTACAGAG-3'

ClinVar aggregate classification (germline): Pathogenic. Review status: reviewed by expert panel (3 of 4 stars). 8 submissions from 8 submitters: Pathogenic (1). 7 of the submissions do not count toward it. Last evaluated 2017-12-15.

Conditions:
BRCA2-related cancer predisposition. Identifiers: MedGen CN377758, MONDO:0700269.
Hereditary breast ovarian cancer syndrome. Also called: Hereditary breast and ovarian cancer; Breast and ovarian cancer; BRCA1- and BRCA2-Associated Hereditary Breast and Ovarian Cancer; Hereditary breast and ovarian cancer syndrome; Hereditary breast and ovarian cancer syndrome (HBOC); Hereditary breast and/or ovarian cancer syndrome. Identifiers: Orphanet 145, MedGen C0677776, MeSH D061325, MONDO:0003582. Disease mechanism: loss of function.
Hereditary cancer-predisposing syndrome. Also called: Tumor predisposition; Hereditary Cancer Syndrome; Hereditary neoplastic syndrome; Neoplastic Syndromes, Hereditary. Identifiers: Orphanet 140162, MedGen C0027672, MeSH D009386, MONDO:0015356.
Familial cancer of breast. Also called: hereditary breast carcinoma; BREAST CANCER, FAMILIAL; Hereditary breast cancer. Identifiers: Orphanet 227535, MedGen C0346153, MONDO:0016419, OMIM 114480. Disease mechanism: loss of function.
Breast-ovarian cancer, familial, susceptibility to, 2 (BROVCA2). Also called: BRCA2 Hereditary Breast and Ovarian Cancer. Identifiers: Orphanet 145, MedGen C2675520, MONDO:0012933, OMIM 612555. Disease mechanism: loss of function.

Submissions (8):

Evidence-based Network for the Interpretation of Germline Mutant Alleles (ENIGMA)
Classification: Pathogenic for Breast-ovarian cancer, familial, susceptibility to, 2. Last evaluated: 2017-12-15. Review status: reviewed by expert panel. Criteria: ENIGMA BRCA1/2 Classification Criteria (2017-06-29). Collection method: curation. Allele origin: germline. Study: ENIGMA.
Comment: Variant allele predicted to encode a truncated non-functional protein.

Labcorp Genetics (formerly Invitae), Labcorp
Classification: Pathogenic for Hereditary breast ovarian cancer syndrome. Last evaluated: 2025-04-07. Review status: criteria provided, single submitter. Criteria: Invitae Variant Classification Sherloc (09022015). Collection method: clinical testing. Allele origin: germline. Not counted in ClinVar's aggregate classification.
Comment: This sequence change creates a premature translational stop signal (p.Gln1551*) in the BRCA2 gene. It is expected to result in an absent or disrupted protein product. Loss-of-function variants in BRCA2 are known to be pathogenic (PMID: 20104584). This variant is not present in population databases (gnomAD no frequency). This variant has not been reported in the literature in individuals affected with BRCA2-related conditions. ClinVar contains an entry for this variant (Variation ID: 234524). For these reasons, this variant has been classified as Pathogenic.

Ambry Genetics
Classification: Pathogenic for Hereditary cancer-predisposing syndrome. Last evaluated: 2024-05-16. Review status: criteria provided, single submitter. Criteria: Ambry Variant Classification Scheme 2023. Collection method: clinical testing. Allele origin: germline. Not counted in ClinVar's aggregate classification.
Comment: The p.Q1551* pathogenic mutation (also known as c.4651C>T), located in coding exon 10 of the BRCA2 gene, results from a C to T substitution at nucleotide position 4651. This changes the amino acid from a glutamine to a stop codon within coding exon 10. This alteration was identified in a cohort of 4439 women with ovarian cancer undergoing multigene panel testing at one laboratory (Carter NJ et al. Gynecol Oncol, 2018 12;151:481-488). In addition to the clinical data presented in the literature, this alteration is expected to result in loss of function by premature protein truncation or nonsense-mediated mRNA decay. As such, this alteration is interpreted as a disease-causing mutation.

Quest Diagnostics Nichols Institute San Juan Capistrano
Classification: Pathogenic. Last evaluated: 2023-05-19. Review status: criteria provided, single submitter. Criteria: Quest Diagnostics criteria. Collection method: clinical testing. Allele origin: unknown. Not counted in ClinVar's aggregate classification.
Comment: The BRCA2 c.4651C>T (p.Gln1551*) variant causes the premature termination of BRCA2 protein synthesis. This variant has been reported in the published literature in individuals affected with ovarian cancer (PMID: 30322717 (2018)) and prostate cancer (PMID: 34653963 (2021)). This variant has not been reported in large, multi-ethnic general populations (Genome Aggregation Database). Analysis of this variant using software algorithms for the prediction of the effect of nucleotide changes on BRCA2 mRNA splicing yielded predictions that this variant may result in the gain of a cryptic splice site without affecting the natural splice sites . Based on the available information, this variant is classified as pathogenic.

Baylor Genetics
Classification: Pathogenic for Familial cancer of breast. Last evaluated: 2023-02-08. Review status: criteria provided, single submitter. Criteria: ACMG Guidelines, 2015. Collection method: clinical testing. Allele origin: unknown. Not counted in ClinVar's aggregate classification.

Color Diagnostics, LLC DBA Color Health
Classification: Pathogenic for Hereditary cancer-predisposing syndrome. Last evaluated: 2022-09-26. Review status: criteria provided, single submitter. Criteria: ACMG Guidelines, 2015. Collection method: clinical testing. Allele origin: germline. Not counted in ClinVar's aggregate classification.
Comment: This variant changes 1 nucleotide in exon 11 of the BRCA2 gene, creating a premature translation stop signal. This variant is expected to result in an absent or non-functional protein product. This variant has been reported in an individual affected with ovarian cancer (PMID: 30322717). This variant has not been identified in the general population by the Genome Aggregation Database (gnomAD). Loss of BRCA2 function is a known mechanism of disease. Based on the available evidence, this variant is classified as Pathogenic.

Department of Pathology and Laboratory Medicine, Sinai Health System
Classification: Pathogenic for BRCA2-related cancer predisposition. Last evaluated: 2021-12-08. Review status: criteria provided, single submitter. Criteria: ACMG Guidelines, 2015. Collection method: clinical testing. Allele origin: germline. Affected: no. Not counted in ClinVar's aggregate classification.

GeneDx
Classification: Pathogenic. Last evaluated: 2018-06-04. Review status: criteria provided, single submitter. Criteria: GeneDx Variant Classification (06012015). Collection method: clinical testing. Allele origin: germline. Affected: yes. Not counted in ClinVar's aggregate classification.
Comment: This pathogenic variant is denoted BRCA2 c.4651C>T at the cDNA level and p.Gln1551Ter (Q1551X) at the protein level. The substitution creates a nonsense variant, which changes a Glutamine to a premature stop codon (CAA>TAA), and is predicted to cause loss of normal protein function through either protein truncation or nonsense-mediated mRNA decay. Although this variant has not, to our knowledge, been reported in the literature, it is considered pathogenic.

Literature cited by the submitters: PubMed 20104584 (cited by Labcorp Genetics (formerly Invitae), Labcorp); PubMed 30322717 (cited by 3 submitters); PubMed 34653963 (cited by Quest Diagnostics Nichols Institute San Juan Capistrano); PubMed 29316426 (cited by Quest Diagnostics Nichols Institute San Juan Capistrano).